The following is an entry in ClinVar:

NM_000238.4(KCNH2):c.*190C>T

Gene: KCNH2 (potassium voltage-gated channel subfamily H member 2; minus strand). Cytogenetic location: 7q36.1.
Variant type: single nucleotide variant.
Coding change: c.*190C>T on transcript NM_000238.4 (MANE Select); 190 bases downstream of the stop codon, C replaced by T.
Molecular consequence: 3 prime UTR variant.
Genome position (GRCh38, 1-based): chr7:150,945,175, G>A on the plus strand (C>T on the coding strand, the complement: KCNH2 is on the minus strand). VCF-style: chr7-150945175-G-A. GRCh37 (hg19) VCF-style: chr7-150642263-G-A.
Other names: c.*190C>T (NM_172057.3).
Identifiers: ClinVar variation 910580 (VCV000910580.38), dbSNP rs41313143, ClinGen allele CA169070210.

ClinVar aggregate classification (germline): Benign/Likely benign. Review status: criteria provided, multiple submitters, no conflicts (2 of 4 stars). 3 submissions from 3 submitters: Benign (1); Likely benign (2). Last evaluated 2022-05-01.

Conditions:
Long QT syndrome 2 (LQT2). Identifiers: Orphanet 101016, Orphanet 768, MedGen C3150943, MONDO:0013367, OMIM 613688.

Allele frequency attached by ClinVar (database versions not stated): gnomAD exomes 0.00042; gnomAD 0.00351 and 0.00377; 1000 Genomes Project 30x 0.00437; 1000 Genomes Project 0.00439; TOPMed 0.00444.
gnomAD v4.1: 776 of 659,358 alleles (0.12%); highest among the groups gnomAD compares: African/African-American, 1.1%; 1 homozygote.

Submissions (3):

CeGaT Center for Human Genetics Tuebingen
Classification: Benign. Last evaluated: 2022-05-01. Review status: criteria provided, single submitter. Criteria: CeGaT Center For Human Genetics Tuebingen Variant Classification Criteria Version 2. Collection method: clinical testing. Allele origin: germline. Affected: yes. Observed: 1 variant allele.
Comment: KCNH2: BS1, BS2

GeneDx
Classification: Likely benign. Last evaluated: 2019-08-07. Review status: criteria provided, single submitter. Criteria: GeneDx Variant Classification Process June 2021. Collection method: clinical testing. Allele origin: germline. Affected: yes.

Illumina Laboratory Services, Illumina
Classification: Likely benign for Long QT syndrome 2. Last evaluated: 2018-01-13. Review status: criteria provided, single submitter. Criteria: ICSL Variant Classification Criteria 13 December 2019. Collection method: clinical testing. Allele origin: germline.
Comment: This variant was observed in the ICSL laboratory as part of a predisposition screen in an ostensibly healthy population. It had not been previously curated by ICSL or reported in the Human Gene Mutation Database (HGMD: prior to June 1st, 2018), and was therefore a candidate for classification through an automated scoring system. Utilizing variant allele frequency, disease prevalence and penetrance estimates, and inheritance mode, an automated score was calculated to assess if this variant is too frequent to cause the disease. Based on the score and internal cut-off values, a variant classified as likely benign is not then subjected to further curation. The score for this variant resulted in a classification of likely benign for this disease.